The following is an entry in ClinVar:

ClinVar aggregate classification (germline): Conflicting classifications of pathogenicity. Review status: criteria provided, conflicting classifications (1 of 4 stars). 3 submissions from 3 submitters: Likely pathogenic (1); Uncertain significance (2). Last evaluated 2026-08-06.

Conditions:
TSC2-related disorder. Also called: TSC2-related condition; TSC2-Related Disorders.
Tuberous sclerosis 2 (TSC2). Identifiers: Orphanet 805, MedGen C1860707, MONDO:0013199, OMIM 613254.

Submissions (3):

PreventionGenetics, part of Exact Sciences
Classification: Uncertain significance for TSC2-related condition. Last evaluated: 2026-08-06. Review status: criteria provided, single submitter. Criteria: ACMG Guidelines, 2015. Collection method: clinical testing. Allele origin: germline.
Comment: The TSC2 c.2528T>C variant is predicted to result in the amino acid substitution p.Leu843Pro. To our knowledge, this variant has not been reported in the literature or in a large population database (gnomAD), indicating this variant is rare. This variant has interpretations ranging from uncertain to likely pathogenic in ClinVar (Variation ID: 387803 ). At this time, the clinical significance of this variant is uncertain due to the absence of conclusive functional and genetic evidence.

Labcorp Genetics (formerly Invitae), Labcorp
Classification: Uncertain significance for Tuberous sclerosis 2. Last evaluated: 2023-06-27. Review status: criteria provided, single submitter. Criteria: Invitae Variant Classification Sherloc (09022015). Collection method: clinical testing. Allele origin: germline.
Comment: This variant has not been reported in the literature in individuals affected with TSC2-related conditions. ClinVar contains an entry for this variant (Variation ID: 387803). Advanced modeling of protein sequence and biophysical properties (such as structural, functional, and spatial information, amino acid conservation, physicochemical variation, residue mobility, and thermodynamic stability) performed at Invitae indicates that this missense variant is not expected to disrupt TSC2 protein function. In summary, the available evidence is currently insufficient to determine the role of this variant in disease. Therefore, it has been classified as a Variant of Uncertain Significance. This variant is not present in population databases (gnomAD no frequency). This sequence change replaces leucine, which is neutral and non-polar, with proline, which is neutral and non-polar, at codon 843 of the TSC2 protein (p.Leu843Pro).

GeneDx
Classification: Likely pathogenic. Last evaluated: 2016-07-25. Review status: criteria provided, single submitter. Criteria: GeneDx Variant Classification (06012015). Collection method: clinical testing. Allele origin: germline. Affected: yes.
Comment: A L843P variant that is likely pathogenic has been identified in the TSC2 gene. This variant has not been published as a pathogenic variant, nor has it been reported as a benign variant to our knowledge. The L843P variant has been reported in the LOVD TSC2 database as a de novo variant in an individual with clinical diagnosis of TSC. It was not observed in approximately 6,500 individuals of European and African American ancestry in the NHLBI Exome Sequencing Project, indicating it is not a common benign variant in these populations. The L843P variant is a semi-conservative amino acid substitution, which may impact secondary protein structure as these residues differ in some properties. This substitution occurs at a position where amino acids with similar properties to Proline are tolerated across species. Missense variants in nearby residues (L844R, L847P) have been reported in the Human Gene Mutation Database in association with Tuberous Sclerosis Complex (Stenson et al., 2014) and in silico analysis predicts this variant is probably damaging to the protein structure/function. However, this substitution does not occur within known functional domains of the tuberin protein, where many pathogenic missense variants have been identified (Northrup et al., 2011; Au et al., 2007). Therefore, this variant is likely pathogenic; however, the possibility that it is benign cannot be excluded.

NM_000548.5(TSC2):c.2528T>C (p.Leu843Pro)

Gene: TSC2 (TSC complex subunit 2; plus strand). Cytogenetic location: 16p13.3.
Variant type: single nucleotide variant.
Coding change: c.2528T>C on transcript NM_000548.5 (MANE Select); coding-DNA position 2528, T replaced by C.
Protein change: p.Leu843Pro; replaces leucine 843 with proline.
Molecular consequence: missense variant.
Genome position (GRCh38, 1-based): chr16:2,074,372, T>C. VCF-style: chr16-2074372-T-C. GRCh37 (hg19) VCF-style: chr16-2124373-T-C.
Other names: c.2528T>C, p.Leu843Pro (NM_001077183.3, NM_001114382.3, NM_001363528.2 and 3 more transcripts); c.2417T>C, p.Leu806Pro (NM_001318827.2); c.2381T>C, p.Leu794Pro (NM_001318829.2); c.1928T>C, p.Leu643Pro (NM_001318831.2); c.2561T>C, p.Leu854Pro (NM_001318832.2); c.2528T>C (NM_000548.4); short protein forms L843P, L794P, L806P, L854P, L643P.
Identifiers: ClinVar variation 387803 (VCV000387803.6), dbSNP rs1057522911, ClinGen allele CA16606932.